The following is an entry in ClinVar:

NM_001278512.2(AP3B2):c.2693G>A (p.Arg898His)

Genes: AP3B2 (adaptor related protein complex 3 subunit beta 2; minus strand), CPEB1-AS1 (CPEB1 antisense RNA 1; plus strand). Cytogenetic location: 15q25.2.
Variant type: single nucleotide variant.
Coding change: c.2693G>A on transcript NM_001278512.2 (MANE Select); coding-DNA position 2693, G replaced by A.
Protein change: p.Arg898His; replaces arginine 898 with histidine.
Molecular consequence: missense variant.
Genome position (GRCh38, 1-based): chr15:82,662,834, C>T on the plus strand (G>A on the coding strand, the complement: AP3B2 is on the minus strand). VCF-style: chr15-82662834-C-T. GRCh37 (hg19) VCF-style: chr15-83331586-C-T.
Other names: c.2540G>A, p.Arg847His (NM_001278511.2); c.2636G>A, p.Arg879His (NM_004644.5); short protein forms R847H, R898H, R879H.
Identifiers: ClinVar variation 1983498 (VCV001983498.1), dbSNP rs758946710, ClinGen allele CA7699817.

ClinVar aggregate classification (germline): Uncertain significance (1 of 4 stars; one submission).

Allele frequency attached by ClinVar (database versions not stated): ExAC 0.00001; gnomAD exomes 0.00001; gnomAD 0.00003; TOPMed 0.00004.
gnomAD v4.1: 19 of 1,613,284 alleles (0.0012%); highest among the groups gnomAD compares: Admixed American, 0.013%; no homozygotes.

Submission:

Labcorp Genetics (formerly Invitae), Labcorp
Classification: Uncertain significance. Last evaluated: 2022-04-20. Review status: criteria provided, single submitter. Criteria: Invitae Variant Classification Sherloc (09022015). Collection method: clinical testing. Allele origin: germline.
Comment: This sequence change replaces arginine, which is basic and polar, with histidine, which is basic and polar, at codon 879 of the AP3B2 protein (p.Arg879His). The frequency data for this variant in the population databases is considered unreliable, as metrics indicate poor data quality at this position in the gnomAD database. This variant has not been reported in the literature in individuals affected with AP3B2-related conditions. Algorithms developed to predict the effect of missense changes on protein structure and function are either unavailable or do not agree on the potential impact of this missense change (SIFT: "Deleterious"; PolyPhen-2: "Possibly Damaging"; Align-GVGD: "Class C0"). In summary, the available evidence is currently insufficient to determine the role of this variant in disease. Therefore, it has been classified as a Variant of Uncertain Significance.